The following is an entry in ClinVar:

NM_001385745.1(ZNF384):c.1743G>A (p.Pro581=)

Gene: ZNF384 (zinc finger protein 384; minus strand). Cytogenetic location: 12p13.31.
Variant type: single nucleotide variant.
Coding change: c.1743G>A on transcript NM_001385745.1 (MANE Select); coding-DNA position 1743, G replaced by A.
Protein change: p.Pro581=; no amino-acid change (proline 581 retained).
Molecular consequence: synonymous variant. On other transcripts: non-coding transcript variant (5).
Genome position (GRCh38, 1-based): chr12:6,667,798, C>T on the plus strand (G>A on the coding strand, the complement: ZNF384 is on the minus strand). VCF-style: chr12-6667798-C-T. GRCh37 (hg19) VCF-style: chr12-6776964-C-T.
Other names: c.1419G>A, p.Pro473= (NM_001385788.1, NM_001385789.1, NM_001385790.1 and 8 more transcripts); c.1650G>A, p.Pro550= (NM_001385754.1, NM_001385755.1, NM_001385756.1 and 6 more transcripts); c.1602G>A, p.Pro534= (NM_001385758.1, NM_001385759.1, NM_001385760.1 and 1 more transcripts); c.1578G>A, p.Pro526= (NM_001385762.1); c.1560G>A, p.Pro520= (NM_001385763.1, NM_001385764.1, NM_001385765.1 and 2 more transcripts); c.1512G>A, p.Pro504= (NM_001385768.1, NM_001385769.1, NM_001385770.1); c.1491G>A, p.Pro497= (NM_001385771.1); c.1485G>A, p.Pro495= (NM_001385772.1); and 7 more.
Identifiers: ClinVar variation 2642632 (VCV002642632.24), dbSNP rs139957806, ClinGen allele CA6413718.

ClinVar aggregate classification (germline): Likely benign (1 of 4 stars; one submission).

Allele frequency attached by ClinVar (database versions not stated): ESP Exome Variant Server 0.00008; 1000 Genomes Project 30x 0.00062; 1000 Genomes Project 0.00080.
gnomAD v4.1: 80 of 1,614,192 alleles (0.005%); highest among the groups gnomAD compares: Middle Eastern, 0.066%; no homozygotes.

Submission:

CeGaT Center for Human Genetics Tuebingen
Classification: Likely benign. Last evaluated: 2022-07-01. Review status: criteria provided, single submitter. Criteria: CeGaT Center For Human Genetics Tuebingen Variant Classification Criteria Version 2. Collection method: clinical testing. Allele origin: germline. Affected: yes. Observed: 1 variant allele.
Comment: ZNF384: BP4, BP7